The following is an entry in ClinVar:

NM_000266.4(NDP):c.343C>T (p.Arg115Ter)

Genes: NDP (norrin cystine knot growth factor NDP; minus strand), NDP-AS1 (NDP antisense RNA 1; plus strand). Cytogenetic location: Xp11.3.
Variant type: single nucleotide variant.
Coding change: c.343C>T on transcript NM_000266.4 (MANE Select); coding-DNA position 343, C replaced by T.
Protein change: p.Arg115Ter; replaces arginine 115 with a stop codon.
Molecular consequence: nonsense. On other transcripts: non-coding transcript variant (1).
Genome position (GRCh38, 1-based): chrX:43,949,858, G>A on the plus strand (C>T on the coding strand, the complement: NDP is on the minus strand). VCF-style: chrX-43949858-G-A. GRCh37 (hg19) VCF-style: chrX-43809104-G-A.
Other names: c.343C>T (NM_000266.3); short protein forms R115*.
Identifiers: ClinVar variation 2737212 (VCV002737212.5), dbSNP rs779079304, ClinGen allele CA413007355.

ClinVar aggregate classification (germline): Pathogenic. Review status: criteria provided, multiple submitters, no conflicts (2 of 4 stars). 3 submissions from 3 submitters: Pathogenic (3). Last evaluated 2025-01-25.

Conditions:
NDP-related disorders.

Submissions (3):

GeneDx
Classification: Pathogenic. Last evaluated: 2025-01-25. Review status: criteria provided, single submitter. Criteria: GeneDx Variant Classification Process June 2021. Collection method: clinical testing. Allele origin: germline. Affected: yes.
Comment: Nonsense variant predicted to result in protein truncation, as the last 19 amino acids are lost, and other loss-of-function variants have been reported downstream in HGMD; Not observed at significant frequency in large population cohorts (gnomAD); This variant is associated with the following publications: (PMID: 30452590, 34860240, 21179243, 22786811, 33781268)

Labcorp Genetics (formerly Invitae), Labcorp
Classification: Pathogenic. Last evaluated: 2024-04-07. Review status: criteria provided, single submitter. Criteria: Invitae Variant Classification Sherloc (09022015). Collection method: clinical testing. Allele origin: germline.
Comment: This sequence change creates a premature translational stop signal (p.Arg115*) in the NDP gene. While this is not anticipated to result in nonsense mediated decay, it is expected to disrupt the last 19 amino acid(s) of the NDP protein. This variant is not present in population databases (gnomAD no frequency). This premature translational stop signal has been observed in individuals with Norrie disease (PMID: 21179243, 33781268). It has also been observed to segregate with disease in related individuals. This variant disrupts a region of the NDP protein in which other variant(s) (p.Ile123Asn) have been determined to be pathogenic (PMID: 7627181; Invitae). This suggests that this is a clinically significant region of the protein, and that variants that disrupt it are likely to be disease-causing. For these reasons, this variant has been classified as Pathogenic.

Blueprint Genetics
Classification: Pathogenic for NDP-related disorders. Last evaluated: 2022-09-21. Review status: criteria provided, single submitter. Criteria: ACMG Guidelines, 2015. Collection method: clinical testing. Allele origin: germline. Affected: yes. Observed: 2 variant alleles.

Literature cited by the submitters: PubMed 21179243 (cited by Labcorp Genetics (formerly Invitae), Labcorp); PubMed 33781268 (cited by Labcorp Genetics (formerly Invitae), Labcorp); PubMed 7627181 (cited by Labcorp Genetics (formerly Invitae), Labcorp).